The following is an entry in ClinVar:

NM_003924.4(PHOX2B):c.765_779dup (p.Ala256_Ala260dup)

Gene: PHOX2B (paired like homeobox 2B; minus strand). Cytogenetic location: 4p13.
Variant type: Duplication.
Coding change: c.765_779dup on transcript NM_003924.4 (MANE Select); coding-DNA positions 765 to 779, 15 bases duplicated (GGCAGCGGCGGCAGC).
Protein change: p.Ala256_Ala260dup.
Molecular consequence: inframe insertion.
Genome position (GRCh38, 1-based): chr4:41,745,973-41,745,987, GCTGCCGCCGCTGCC duplicated on the plus strand (GGCAGCGGCGGCAGC on the coding strand, the reverse complement: PHOX2B is on the minus strand); duplicating any 15 consecutive bases within chr4:41,745,973-41,745,998 gives the same sequence; the c. name uses the placement nearest the transcript's 3' end. VCF-style (leftmost placement, unchanged base first): chr4-41745972-A-AGCTGCCGCCGCTGCC. GRCh37 (hg19) VCF-style: chr4-41747989-A-AGCTGCCGCCGCTGCC.
Other names: c.765_779dupGGCAGCGGCGGCAGC (NM_003924.3).
Identifiers: ClinVar variation 429242 (VCV000429242.13), dbSNP rs761018157, ClinGen allele CA645369340.

ClinVar aggregate classification (germline): Pathogenic. Review status: criteria provided, multiple submitters, no conflicts (2 of 4 stars). 7 submissions from 7 submitters: Pathogenic (7). Last evaluated 2025-12-19.

Conditions:
Hereditary cancer-predisposing syndrome. Also called: Neoplastic Syndromes, Hereditary; Hereditary Cancer Syndrome; Tumor predisposition; Hereditary neoplastic syndrome. Identifiers: Orphanet 140162, MedGen C0027672, MeSH D009386, MONDO:0015356.
PHOX2B-related disorder. Also called: PHOX2B-related condition.
Congenital central hypoventilation. Also called: Congenital Central Hypoventilation Syndrome. Identifiers: Orphanet 661, Orphanet 99803, MedGen C1275808, MONDO:0800031. Disease mechanism: gain of function.

Submissions (7):

PreventionGenetics, part of Exact Sciences
Classification: Pathogenic for PHOX2B-related condition. Last evaluated: 2025-12-19. Review status: criteria provided, single submitter. Criteria: ACMG Guidelines, 2015. Collection method: clinical testing. Allele origin: germline.
Comment: The PHOX2B c.765_779dup15 variant is predicted to result in an in-frame duplication (p.Ala256_Ala260dup). An expansion of the polyalanine repeat region from 20 repeats (normal) to 25 repeats has previously been reported to be causative for congenital central hypoventilation syndrome (CCHS) (Serra et al. 2010. PubMed ID: 20456320; Ribeiro et al. 2021. PubMed ID: 34168928; Rojnueangnit and Descartes. 2018. PubMed ID: 29531718; Falik et al. 2020. PubMed ID: 32822965). This variant is not present in a large population database (gnomAD) and is classified as pathogenic in ClinVar (Variation ID: 429242). This variant is interpreted as pathogenic.

Blueprint Genetics
Classification: Pathogenic for PHOX2B-related disorders. Last evaluated: 2023-06-20. Review status: criteria provided, single submitter. Criteria: ACMG Guidelines, 2015. Collection method: clinical testing. Allele origin: germline. Affected: yes. Observed: 3 variant alleles.

GeneDx
Classification: Pathogenic. Last evaluated: 2023-03-31. Review status: criteria provided, single submitter. Criteria: GeneDx Variant Classification Process June 2021. Collection method: clinical testing. Allele origin: germline. Affected: yes.
Comment: Duplication of 5 alanine residues in the second polyalanine tract, resulting in a total of 25 alanine residues; Polyalanine repeat expansion of 24 and 25 repeats have been identified in individuals with variable age of onset and phenotypes, ranging from asymptomatic/mild presentations to newborns with congenital central hypoventilation syndrome (PMID: 20301600; 22125732, 23460419, 18798833); Published functional evidence indicate that expanded PHOX2B protein forms ubiquitin positive inclusions, which sequester wild-type PHOX2B, resulting in reduced transcriptional and binding activity of wild-type protein and possibly supporting a dominant-negative effect (PMID 22307522; 23103552); Not observed at significant frequency in large population cohorts (gnomAD); This variant is associated with the following publications: (PMID: 12640453, 34168928, 15121777, 32573669, 15860752, 20456320, 22307522, 20301600, 22125732, 23460419, 18798833)

Clinical Genetics Laboratory, Skane University Hospital Lund
Classification: Pathogenic. Last evaluated: 2022-07-13. Review status: criteria provided, single submitter. Criteria: ACMG Guidelines, 2015. Collection method: clinical testing. Allele origin: germline. Affected: yes.

Ambry Genetics
Classification: Pathogenic for Hereditary cancer-predisposing syndrome. Last evaluated: 2022-02-23. Review status: criteria provided, single submitter. Criteria: Ambry Variant Classification Scheme 2023. Collection method: clinical testing. Allele origin: germline.
Comment: The p.Ala241[25] pathogenic mutation, located in coding exon 3 of the PHOX2B gene, results from an expansion of the polyalanine repeat region from 20 to 25 repeats. This expansion mutation is associated with congenital central hypoventilation syndrome (Amiel J et al. Nat. Genet., 2003 Apr;33(4):459-61; Matera I et al. J. Med. Genet., 2004 May;41(5):373-80; Serra A et al. Ann. Hum. Genet., 2010 Jul;74(4):369-74; Australian Genomics Health Alliance Acute Care Flagship. JAMA 2020 06;323(24):2503-11). Based on the supporting evidence, this alteration is interpreted as a disease-causing mutation.

HudsonAlpha Institute for Biotechnology
Classification: Pathogenic for Central hypoventilation syndrome, congenital, 1, with or without Hirschsprung disease. Last evaluated: 2021-07-27. Review status: criteria provided, single submitter. Criteria: ACMG Guidelines, 2015. Collection method: research. Allele origin: de novo. Affected: yes. Observed: 1 variant allele. Study: CSER-SouthSeq.
Comment: ACMG codes: PS2; PS4M; PM2

Victorian Clinical Genetics Services, Murdoch Childrens Research Institute
Classification: Pathogenic for Central hypoventilation syndrome, congenital, 1, with or without Hirschsprung disease. Last evaluated: 2018-01-21. Review status: criteria provided, single submitter. Criteria: ACMG Guidelines, 2015. Collection method: clinical testing. Allele origin: de novo. Affected: yes. Observed: 1 variant allele.
Comment: A heterozygous inframe insertion variant, NM_003924.3(PHOX2B):c.765_779dup, has been identified in exon 3 of 3 of the PHOX2B gene. The variant is predicted to result in an inframe insertion of 5 amino acid at position 256-260 of the protein (NM_003924.3(PHOX2B):p.(Ala256_Ala260dup)), commonly denoted p.Ala256_Ala260dup. The variant is absent in population databases (gnomAD, ExAC). Alanine repeat expansions within the polyalanine stretch of the PHOX2B gene have previously been reported in association with congenital central hypoventilation syndrome (Amiel J. et al., 2003; Matera A. et al., 2004; Serra I. et al., 2010). Analysis of parental samples indicated this variant to be de-novo. Based on the information available at the time of curation, this variant has been classified as PATHOGENIC.

Literature cited by the submitters: PubMed 12640453 (cited by Ambry Genetics); PubMed 15121777 (cited by Ambry Genetics); PubMed 20456320 (cited by Ambry Genetics); PubMed 32573669 (cited by Ambry Genetics).